The following is an entry in ClinVar:

NM_002528.7(NTHL1):c.20G>A (p.Arg7Lys)

Gene: NTHL1 (nth like DNA glycosylase 1; minus strand). Cytogenetic location: 16p13.3.
Variant type: single nucleotide variant.
Coding change: c.20G>A on transcript NM_002528.7 (MANE Select); coding-DNA position 20, G replaced by A.
Protein change: p.Arg7Lys; replaces arginine 7 with lysine.
Molecular consequence: missense variant. On other transcripts: 5 prime UTR variant (1).
Genome position (GRCh38, 1-based): chr16:2,047,804, C>T on the plus strand (G>A on the coding strand, the complement: NTHL1 is on the minus strand). VCF-style: chr16-2047804-C-T. GRCh37 (hg19) VCF-style: chr16-2097805-C-T.
Other names: c.20G>A, p.Arg7Lys (NM_001318193.2); c.-159G>A (NM_001318194.2); c.44G>A (NM_002528.6); short protein forms R7K.
Identifiers: ClinVar variation 1002440 (VCV001002440.11), dbSNP rs930166212, ClinGen allele CA394298624.

ClinVar aggregate classification (germline): Uncertain significance. Review status: criteria provided, multiple submitters, no conflicts (2 of 4 stars). 3 submissions from 3 submitters: Uncertain significance (3). Last evaluated 2025-12-16.

Conditions:
Hereditary cancer-predisposing syndrome. Also called: Hereditary Cancer Syndrome; Neoplastic Syndromes, Hereditary; Tumor predisposition; Hereditary neoplastic syndrome. Identifiers: Orphanet 140162, MedGen C0027672, MeSH D009386, MONDO:0015356.

Submissions (3):

Ambry Genetics
Classification: Uncertain significance for Hereditary cancer-predisposing syndrome. Last evaluated: 2025-12-16. Review status: criteria provided, single submitter. Criteria: Ambry Variant Classification Scheme 2023. Collection method: clinical testing. Allele origin: germline.
Comment: The p.R15K variant (also known as c.44G>A), located in coding exon 1 of the NTHL1 gene, results from a G to A substitution at nucleotide position 44. The arginine at codon 15 is replaced by lysine, an amino acid with highly similar properties. This amino acid position is well conserved in available vertebrate species. In addition, this alteration is predicted to be tolerated by in silico analysis. Since supporting evidence is limited at this time, the clinical significance of this alteration remains unclear.

Quest Diagnostics Nichols Institute San Juan Capistrano
Classification: Uncertain significance. Last evaluated: 2023-10-12. Review status: criteria provided, single submitter. Criteria: Quest Diagnostics criteria. Collection method: clinical testing. Allele origin: unknown.

Labcorp Genetics (formerly Invitae), Labcorp
Classification: Uncertain significance. Last evaluated: 2020-09-30. Review status: criteria provided, single submitter. Criteria: Invitae Variant Classification Sherloc (09022015). Collection method: clinical testing. Allele origin: germline.
Comment: In summary, the available evidence is currently insufficient to determine the role of this variant in disease. Therefore, it has been classified as a Variant of Uncertain Significance. Algorithms developed to predict the effect of missense changes on protein structure and function are either unavailable or do not agree on the potential impact of this missense change (SIFT: "Not Available"; PolyPhen-2: "Possibly Damaging"; Align-GVGD: "Not Available"). This variant has not been reported in the literature in individuals with NTHL1-related conditions. This variant is not present in population databases (ExAC no frequency). This sequence change replaces arginine with lysine at codon 15 of the NTHL1 protein (p.Arg15Lys). The arginine residue is moderately conserved and there is a small physicochemical difference between arginine and lysine.